The following is an entry in ClinVar:

NM_005157.6(ABL1):c.2617T>A (p.Ser873Thr)

Gene: ABL1 (ABL proto-oncogene 1, non-receptor tyrosine kinase; plus strand). Cytogenetic location: 9q34.12.
Variant type: single nucleotide variant.
Coding change: c.2617T>A on transcript NM_005157.6 (MANE Select); coding-DNA position 2617, T replaced by A.
Protein change: p.Ser873Thr; replaces serine 873 with threonine.
Molecular consequence: missense variant.
Genome position (GRCh38, 1-based): chr9:130,884,907, T>A. VCF-style: chr9-130884907-T-A. GRCh37 (hg19) VCF-style: chr9-133760294-T-A.
Other names: c.2674T>A, p.Ser892Thr (NM_007313.3); short protein forms S873T, S892T.
Identifiers: ClinVar variation 2659612 (VCV002659612.24), dbSNP rs2133037976, ClinGen allele CA375257672.

ClinVar aggregate classification (germline): Uncertain significance (1 of 4 stars; one submission).

Submission:

CeGaT Center for Human Genetics Tuebingen
Classification: Uncertain significance. Last evaluated: 2023-06-01. Review status: criteria provided, single submitter. Criteria: CeGaT Center For Human Genetics Tuebingen Variant Classification Criteria Version 2. Collection method: clinical testing. Allele origin: germline. Affected: yes. Observed: 1 variant allele.
Comment: ABL1: PM2, BP4